The following is an entry in ClinVar:

NM_000017.4(ACADS):c.164C>T (p.Pro55Leu)

Gene: ACADS (acyl-CoA dehydrogenase short chain; plus strand). Cytogenetic location: 12q24.31.
Variant type: single nucleotide variant.
Coding change: c.164C>T on transcript NM_000017.4 (MANE Select); coding-DNA position 164, C replaced by T.
Protein change: p.Pro55Leu; replaces proline 55 with leucine.
Molecular consequence: missense variant.
Genome position (GRCh38, 1-based): chr12:120,727,143, C>T. VCF-style: chr12-120727143-C-T. GRCh37 (hg19) VCF-style: chr12-121164946-C-T.
Other names: c.164C>T, p.Pro55Leu (NM_001302554.2); c.164C>T (NM_000017.3); short protein forms P55L.
Identifiers: ClinVar variation 30611 (VCV000030611.19), dbSNP rs147442301, ClinGen allele CA259857.

ClinVar aggregate classification (germline): Pathogenic/Likely pathogenic. Review status: criteria provided, multiple submitters, no conflicts (2 of 4 stars). 10 submissions from 10 submitters: Pathogenic (6); Likely pathogenic (1). 3 of the submissions do not count toward it. Last evaluated 2025-09-08.

Conditions:
ACADS-related disorder. Also called: ACADS-related condition.
Deficiency of butyryl-CoA dehydrogenase (ACADSD). Also called: Short-Chain Acyl-CoA Dehydrogenase Deficiency; ACADS DEFICIENCY; SCAD DEFICIENCY, MILD; ACYL-CoA DEHYDROGENASE, SHORT-CHAIN, DEFICIENCY OF; SCAD Deficiency; SCADH DEFICIENCY. Identifiers: Orphanet 26792, MedGen C0342783, MONDO:0008722, OMIM 201470. Disease mechanism: May be benign.

Allele frequency attached by ClinVar (database versions not stated): 1000 Genomes Project 0.00020; gnomAD 0.00002 and 0.00001; gnomAD exomes 0.00002 and 0.00004; TOPMed 0.00003; ExAC 0.00007; 1000 Genomes Project 30x 0.00016.
gnomAD v4.1: 36 of 1,614,154 alleles (0.0022%); highest among the groups gnomAD compares: East Asian, 0.076%; no homozygotes.

Submissions (10):

Variantyx, Inc.
Classification: Pathogenic for Deficiency of butyryl-CoA dehydrogenase. Last evaluated: 2025-09-08. Review status: criteria provided, single submitter. Criteria: Variantyx Assertion Criteria 2022. Collection method: clinical testing. Allele origin: germline. Inheritance: Autosomal recessive inheritance. Affected: no.
Comment: This is a nonsynonymous variant in the ACADS gene (OMIM: 606885). Pathogenic variants in this gene have been associated with autosomal recessive short-chain acyl-CoA dehydrogenase deficiency. This variant has been identified in the homozygous or compound heterozygous state in at least 3 individuals reported in the published literature (PMID: 20376488, 28018444, 27466294) (PM3_Strong). Functional studies have shown that this variant alters ACADS protein function (PMID: 20376488) (PS3) ad multiple computational algorithms predict a deleterious effect for this variant (REVEL score: 0.96) (PP3). This variant has a 0.0758% maximum allele frequency in non-founder control populations (PM2). Based on the current evidence, this variant is classified as pathogenic for autosomal recessive short-chain acyl-CoA dehydrogenase deficiency.

Blueprint Genetics
Classification: Pathogenic for ACADS-related disorders. Last evaluated: 2024-09-09. Review status: criteria provided, single submitter. Criteria: ACMG Guidelines, 2015. Collection method: clinical testing. Allele origin: germline. Affected: yes. Observed: 3 variant alleles.

Labcorp Genetics (formerly Invitae), Labcorp
Classification: Pathogenic for Deficiency of butyryl-CoA dehydrogenase. Last evaluated: 2024-04-08. Review status: criteria provided, single submitter. Criteria: Invitae Variant Classification Sherloc (09022015). Collection method: clinical testing. Allele origin: germline.
Comment: This sequence change replaces proline, which is neutral and non-polar, with leucine, which is neutral and non-polar, at codon 55 of the ACADS protein (p.Pro55Leu). This variant is present in population databases (rs147442301, gnomAD 0.05%). This missense change has been observed in individuals with short chain acyl-CoA dehydrogenase deficiency (PMID: 18951053, 20376488, 27938594, 28018444). ClinVar contains an entry for this variant (Variation ID: 30611). Advanced modeling of protein sequence and biophysical properties (such as structural, functional, and spatial information, amino acid conservation, physicochemical variation, residue mobility, and thermodynamic stability) performed at Invitae indicates that this missense variant is expected to disrupt ACADS protein function with a positive predictive value of 95%. Experimental studies have shown that this missense change affects ACADS function (PMID: 20376488). For these reasons, this variant has been classified as Pathogenic.

Women's Health and Genetics/Laboratory Corporation of America, LabCorp
Classification: Pathogenic for Deficiency of butyryl-CoA dehydrogenase. Last evaluated: 2023-06-09. Review status: criteria provided, single submitter. Criteria: LabCorp Variant Classification Summary - May 2015. Collection method: clinical testing. Allele origin: germline.
Comment: Variant summary: ACADS c.164C>T (p.Pro55Leu) results in a non-conservative amino acid change in the encoded protein sequence. Five of five in-silico tools predict a damaging effect of the variant on protein function. The variant allele was found at a frequency of 3.6e-05 in 251496 control chromosomes. c.164C>T has been reported in the literature as a compound heterozygous genotype in settings of biochemically confirmed diagnosis/newborn screen for Short-chain acyl-CoA dehydrogenase (SCAD) deficiency (example, Shirao_2010, An_2016, Huang_2022). These data indicate that the variant is likely to be associated with disease. At least one publication reports experimental evidence evaluating an impact on protein function (Shirao_2010). The most pronounced variant effect results in <10% of normal SCAD enzymatic activity in-vitro. The following publications have been ascertained in the context of this evaluation (PMID: 28018444, 35193651, 20376488). Four clinical diagnostic laboratories have submitted clinical-significance assessments for this variant to ClinVar after 2014 without evidence for independent evaluation. All laboratories classified the variant as pathogenic/likely pathogenic. Based on the evidence outlined above, the variant was classified as pathogenic.

Genome-Nilou Lab
Classification: Likely pathogenic for Deficiency of butyryl-CoA dehydrogenase. Last evaluated: 2021-11-07. Review status: criteria provided, single submitter. Criteria: ACMG Guidelines, 2015. Collection method: clinical testing. Allele origin: germline. Affected: no.

Illumina Laboratory Services, Illumina
Classification: Pathogenic for Deficiency of butyryl-CoA dehydrogenase. Last evaluated: 2018-08-14. Review status: criteria provided, single submitter. Criteria: ICSL Variant Classification Criteria 09 May 2019. Collection method: clinical testing. Allele origin: germline.
Comment: The ACADS c.164C>T (p.Pro55Leu) missense variant has been reported in four studies in which it is found in a total of six individuals with SCAD deficiency, including in one with the variant in a homozygous state and in five in a compound heterozygous state. All individuals carrying the variant were diagnosed with SCAD deficiency through newborn screening and were clinically asymptomatic, even during follow-up in childhood (Jethva and Ficicioqlu 2008; Shirao et al. 2010; An et al. 2016; Kim et al. 2016). In addition, Huang et al. (2016) reported the p.Pro55Leu variant in approximately 20% of 17 clinically asymptomatic Chinese children who were identified through newborn screening as having SCAD deficiency. Control data are unavailable for this variant, which is reported at a frequency of 0.00092 in the East Asian population of the Exome Aggregation Consortium. Shirao et al. (2010) performed in vitro testing of the variant and found that HEK293 cells that were transfected with the variant protein had 6.67% enzymatic activity compared to wild type. When the variant was co-transfected with wild type protein, 60-70% of normal enzymatic activity was observed. Based on the collective evidence, the p.Pro55Leu variant is classified as pathogenic for SCAD deficiency. This variant was observed by ICSL as part of a predisposition screen in an ostensibly healthy population.

Juno Genomics, Hangzhou Juno Genomics, Inc
Classification: Pathogenic for Deficiency of butyryl-CoA dehydrogenase. Review status: criteria provided, single submitter. Criteria: ACMG Guidelines, 2015. Collection method: clinical testing. Allele origin: germline. Affected: yes.
Comment: Absent from controls (or at extremely low frequency if recessive) in Genome Aggregation Database, Exome Sequencing Project, 1000 Genomes Project, or Exome Aggregation Consortium.;For recessive disorders, detected in trans with a pathogenic variant.;Multiple lines of computational evidence support a deleterious effect on the gene or gene product (conservation, evolutionary, splicing impact, etc).

Counsyl
Classification: Likely pathogenic for Deficiency of butyryl-CoA dehydrogenase. Last evaluated: 2017-07-31. Review status: no assertion criteria provided. Collection method: clinical testing. Allele origin: unknown. Not counted in ClinVar's aggregate classification.

OMIM
Classification: Pathogenic for SCAD DEFICIENCY, MILD. Last evaluated: 2010-06-01. Review status: no assertion criteria provided. Collection method: literature only. Allele origin: germline. Not counted in ClinVar's aggregate classification.

Medical Laboratory Center, Huzhou Maternal and Child Health Hospital
Classification: Pathogenic for Deficiency of butyryl-CoA dehydrogenase. Review status: no assertion criteria provided. Collection method: research. Allele origin: germline. Not counted in ClinVar's aggregate classification.

Literature cited by the submitters: PubMed 20376488 (cited by 6 submitters); PubMed 28018444 (cited by 5 submitters); PubMed 27466294 (cited by 3 submitters); PubMed 18951053 (cited by 3 submitters); PubMed 27938594 (cited by Labcorp Genetics (formerly Invitae), Labcorp and Illumina Laboratory Services, Illumina); PubMed 35193651 (cited by Women's Health and Genetics/Laboratory Corporation of America, LabCorp); PubMed 26274329 (cited by Counsyl).